The following is an entry in ClinVar:

ClinVar aggregate classification (germline): Uncertain significance (1 of 4 stars; one submission).

Submission:

Greenwood Genetic Center Diagnostic Laboratories, Greenwood Genetic Center
Classification: Uncertain significance. Last evaluated: 2022-05-06. Review status: criteria provided, single submitter. Criteria: ACMG Guidelines, 2015. Collection method: clinical testing. Allele origin: germline. Affected: yes.
Comment: PM2

NM_000501.4(ELN):c.1747G>A (p.Val583Ile)

Genes: ELN (elastin; plus strand), ELN-AS1 (ELN antisense RNA 1; minus strand). Cytogenetic location: 7q11.23.
Variant type: single nucleotide variant.
Coding change: c.1747G>A on transcript NM_000501.4 (MANE Select); coding-DNA position 1747, G replaced by A.
Protein change: p.Val583Ile; replaces valine 583 with isoleucine.
Molecular consequence: missense variant.
Genome position (GRCh38, 1-based): chr7:74,060,501, G>A. VCF-style: chr7-74060501-G-A. GRCh37 (hg19) VCF-style: chr7-73474831-G-A.
Other names: c.1660G>A, p.Val554Ile (NM_001081752.3); c.1705G>A, p.Val569Ile (NM_001081753.3); c.1762G>A, p.Val588Ile (NM_001081754.3); c.1690G>A, p.Val564Ile (NM_001081755.3); c.1747G>A, p.Val583Ile (NM_001278912.2); c.1504G>A, p.Val502Ile (NM_001278913.2); c.1675G>A, p.Val559Ile (NM_001278914.2); c.1765G>A, p.Val589Ile (NM_001278915.2); and 4 more; short protein forms G612S, V494I, V502I, V535I, V554I, V559I, V564I, V569I.
Identifiers: ClinVar variation 1703186 (VCV001703186.3), dbSNP rs1563857335, ClinGen allele CA367887037.